The following is an entry in ClinVar:

NM_005518.4(HMGCS2):c.790C>T (p.Arg264Trp)

Gene: HMGCS2 (3-hydroxy-3-methylglutaryl-CoA synthase 2; minus strand). Cytogenetic location: 1p12.
Variant type: single nucleotide variant.
Coding change: c.790C>T on transcript NM_005518.4 (MANE Select); coding-DNA position 790, C replaced by T.
Protein change: p.Arg264Trp; replaces arginine 264 with tryptophan.
Molecular consequence: missense variant.
Genome position (GRCh38, 1-based): chr1:119,759,178, G>A on the plus strand (C>T on the coding strand, the complement: HMGCS2 is on the minus strand). VCF-style: chr1-119759178-G-A. GRCh37 (hg19) VCF-style: chr1-120301801-G-A.
Other names: c.664C>T, p.Arg222Trp (NM_001166107.1); short protein forms R222W, R264W.
Identifiers: ClinVar variation 663113 (VCV000663113.10), dbSNP rs773945291, ClinGen allele CA1037792.

ClinVar aggregate classification (germline): Uncertain significance. Review status: criteria provided, multiple submitters, no conflicts (2 of 4 stars). 3 submissions from 3 submitters: Uncertain significance (3). Last evaluated 2026-03-27.

Conditions:
3-hydroxy-3-methylglutaryl-CoA synthase deficiency (HMGCS2D). Also called: HMGCS2 DEFICIENCY; MITOCHONDRIAL HMG-CoA SYNTHASE DEFICIENCY; HMG-CoA synthase-2 deficiency. Identifiers: Orphanet 35701, MedGen C2751532, MONDO:0011614, OMIM 605911.

Allele frequency attached by ClinVar (database versions not stated): gnomAD exomes 0.00004; gnomAD 0.00006 and 0.00007; TOPMed 0.00006; ExAC 0.00006.
gnomAD v4.1: 181 of 1,613,978 alleles (0.011%); highest among the groups gnomAD compares: Non-Finnish European, 0.015%; no homozygotes.

Submissions (3):

GeneDx
Classification: Uncertain significance. Last evaluated: 2026-03-27. Review status: criteria provided, single submitter. Criteria: GeneDx Variant Classification Process June 2021. Collection method: clinical testing. Allele origin: germline.
Comment: Not observed at significant frequency in large population cohorts (gnomAD); Missense variants in this gene are a common cause of disease and they are underrepresented in the general population; In silico analysis supports that this missense variant has a deleterious effect on protein structure/function; This variant is associated with the following publications: (PMID: 30193751)

Blueprint Genetics
Classification: Uncertain significance. Last evaluated: 2024-06-07. Review status: criteria provided, single submitter. Criteria: ACMG Guidelines, 2015. Collection method: clinical testing. Allele origin: germline.

Labcorp Genetics (formerly Invitae), Labcorp
Classification: Uncertain significance for 3-hydroxy-3-methylglutaryl-CoA synthase deficiency. Last evaluated: 2024-01-24. Review status: criteria provided, single submitter. Criteria: Invitae Variant Classification Sherloc (09022015). Collection method: clinical testing. Allele origin: germline.
Comment: This sequence change replaces arginine, which is basic and polar, with tryptophan, which is neutral and slightly polar, at codon 264 of the HMGCS2 protein (p.Arg264Trp). This variant is present in population databases (rs773945291, gnomAD 0.01%). This variant has not been reported in the literature in individuals affected with HMGCS2-related conditions. ClinVar contains an entry for this variant (Variation ID: 663113). Advanced modeling of protein sequence and biophysical properties (such as structural, functional, and spatial information, amino acid conservation, physicochemical variation, residue mobility, and thermodynamic stability) performed at Invitae indicates that this missense variant is not expected to disrupt HMGCS2 protein function with a negative predictive value of 80%. In summary, the available evidence is currently insufficient to determine the role of this variant in disease. Therefore, it has been classified as a Variant of Uncertain Significance.